The following is an entry in ClinVar:

NM_001330260.2(SCN8A):c.3503G>A (p.Arg1168Gln)

Gene: SCN8A (sodium voltage-gated channel alpha subunit 8; plus strand). Cytogenetic location: 12q13.13.
Variant type: single nucleotide variant.
Coding change: c.3503G>A on transcript NM_001330260.2 (MANE Select); coding-DNA position 3503, G replaced by A.
Protein change: p.Arg1168Gln; replaces arginine 1168 with glutamine.
Molecular consequence: missense variant.
Genome position (GRCh38, 1-based): chr12:51,770,541, G>A. VCF-style: chr12-51770541-G-A. GRCh37 (hg19) VCF-style: chr12-52164325-G-A.
Other names: p.R1168Q:CGG>CAG; c.3503G>A, p.Arg1168Gln (NM_001177984.3, NM_001369788.1, NM_014191.4); short protein forms R1168Q.
Identifiers: ClinVar variation 207113 (VCV000207113.5), dbSNP rs763817893, ClinGen allele CA318264.

ClinVar aggregate classification (germline): Uncertain significance. Review status: criteria provided, multiple submitters, no conflicts (2 of 4 stars). 2 submissions from 2 submitters: Uncertain significance (2). Last evaluated 2025-12-21.

Conditions:
Early-infantile DEE. Also called: Ohtahara syndrome; Early infantile epileptic encephalopathy; Early infantile epileptic encephalopathy with suppression bursts. Identifiers: Orphanet 1934, MedGen C0393706, MONDO:0800491.

Allele frequency attached by ClinVar (database versions not stated): ExAC 0.00002; gnomAD exomes 0.00001; TOPMed 0.00001; gnomAD 0.00003.
gnomAD v4.1: 14 of 1,607,046 alleles (0.00087%); highest among the groups gnomAD compares: Admixed American, 0.0034%; no homozygotes.

Submissions (2):

Labcorp Genetics (formerly Invitae), Labcorp
Classification: Uncertain significance for Early-infantile DEE. Last evaluated: 2025-12-21. Review status: criteria provided, single submitter. Criteria: Invitae Variant Classification Sherloc (09022015). Collection method: clinical testing. Allele origin: germline.
Comment: This sequence change replaces arginine, which is basic and polar, with glutamine, which is neutral and polar, at codon 1168 of the SCN8A protein (p.Arg1168Gln). This variant is present in population databases (rs763817893, gnomAD 0.006%). This variant has not been reported in the literature in individuals affected with SCN8A-related conditions. ClinVar contains an entry for this variant (Variation ID: 207113). Invitae Evidence Modeling of protein sequence and biophysical properties (such as structural, functional, and spatial information, amino acid conservation, physicochemical variation, residue mobility, and thermodynamic stability) indicates that this missense variant is not expected to disrupt SCN8A protein function with a negative predictive value of 95%. In summary, the available evidence is currently insufficient to determine the role of this variant in disease. Therefore, it has been classified as a Variant of Uncertain Significance.

GeneDx
Classification: Uncertain significance. Last evaluated: 2014-05-20. Review status: criteria provided, single submitter. Criteria: GeneDx Variant Classification (06012015). Collection method: clinical testing. Allele origin: germline. Affected: yes.
Comment: p.Arg1168Gln (CGG>CAG): c.3503 G>A in exon 19 of the SCN8A gene (NM_014191.3). A variant of unknown significance has been identified in the SCN8A gene. The R1168Q variant has not been published as a mutation, nor has it been reported as a benign polymorphism to our knowledge. It was not observed in approximately 6,500 individuals of European and African American ancestry in the NHLBI Exome Sequencing Project, indicating it is not a common benign variant in these populations. The R1168Q variant is a semi-conservative amino acid substitution, which may impact secondary protein structure as these residues differ in some properties. This substitution occurs at a position that is conserved in mammals. However, in silico analysis is inconsistent in its predictions as to whether or not the variant is damaging to the protein structure/function. Therefore, based on the currently available information, it is unclear whether this variant is a pathogenic mutation or a rare benign variant. The variant is found in EPILEPSY panel(s).